The following is an entry in ClinVar:

ClinVar aggregate classification (germline): Uncertain significance. Review status: criteria provided, multiple submitters, no conflicts (2 of 4 stars). 3 submissions from 3 submitters: Uncertain significance (3). Last evaluated 2025-12-10.

Conditions:
Inborn genetic diseases. Identifiers: MedGen C0950123, MeSH D030342.
PRPF8-related disorder. Also called: PRPF8-related condition.

Allele frequency attached by ClinVar (database versions not stated): TOPMed below 0.00001; ExAC 0.00001; gnomAD 0.00001; gnomAD exomes 0.00003; ESP Exome Variant Server 0.00008.
gnomAD v4.1: 46 of 1,614,042 alleles (0.0028%); highest among the groups gnomAD compares: Non-Finnish European, 0.0039%; no homozygotes.

Submissions (3):

Labcorp Genetics (formerly Invitae), Labcorp
Classification: Uncertain significance. Last evaluated: 2025-12-10. Review status: criteria provided, single submitter. Criteria: Invitae Variant Classification Sherloc (09022015). Collection method: clinical testing. Allele origin: germline.
Comment: This sequence change replaces isoleucine, which is neutral and non-polar, with valine, which is neutral and non-polar, at codon 2199 of the PRPF8 protein (p.Ile2199Val). This variant is present in population databases (rs368323256, gnomAD 0.002%). This variant has not been reported in the literature in individuals affected with PRPF8-related conditions. ClinVar contains an entry for this variant (Variation ID: 2977005). Invitae Evidence Modeling of protein sequence and biophysical properties (such as structural, functional, and spatial information, amino acid conservation, physicochemical variation, residue mobility, and thermodynamic stability) indicates that this missense variant is not expected to disrupt PRPF8 protein function with a negative predictive value of 80%. In summary, the available evidence is currently insufficient to determine the role of this variant in disease. Therefore, it has been classified as a Variant of Uncertain Significance.

Ambry Genetics
Classification: Uncertain significance for Inborn genetic diseases. Last evaluated: 2025-08-30. Review status: criteria provided, single submitter. Criteria: Ambry Variant Classification Scheme 2023. Collection method: clinical testing. Allele origin: germline.

PreventionGenetics, part of Exact Sciences
Classification: Uncertain significance for PRPF8-related condition. Last evaluated: 2025-06-13. Review status: criteria provided, single submitter. Criteria: ACMG Guidelines, 2015. Collection method: clinical testing. Allele origin: germline.
Comment: The PRPF8 c.6595A>G variant is predicted to result in the amino acid substitution p.Ile2199Val. To our knowledge, this variant has not been reported in the literature. This variant is present in 0.0018% of alleles in individuals of European (Non-Finnish) descent in gnomAD. At this time, the clinical significance of this variant is uncertain due to the absence of conclusive functional and genetic evidence.

NM_006445.4(PRPF8):c.6595A>G (p.Ile2199Val)

Gene: PRPF8 (pre-mRNA processing factor 8; minus strand). Cytogenetic location: 17p13.3.
Variant type: single nucleotide variant.
Coding change: c.6595A>G on transcript NM_006445.4 (MANE Select); coding-DNA position 6595, A replaced by G.
Protein change: p.Ile2199Val; replaces isoleucine 2199 with valine.
Molecular consequence: missense variant.
Genome position (GRCh38, 1-based): chr17:1,651,469, T>C on the plus strand (A>G on the coding strand, the complement: PRPF8 is on the minus strand). VCF-style: chr17-1651469-T-C. GRCh37 (hg19) VCF-style: chr17-1554763-T-C.
Other names: c.6595A>G (NM_006445.3); short protein forms I2199V.
Identifiers: ClinVar variation 2977005 (VCV002977005.5), dbSNP rs368323256, ClinGen allele CA8271146.
Genomic context (GRCh38, chr17:1,651,469, plus strand): 5'-CCCACCTGCATGTGATGATAATGGTCTTCTCGCCATCCCAAGATGGGTTGTCAGCCATGA[T>C]CTTGGCATGGGTGGTGACATCCTGGGGTGATAACTGCGGGGACTCATTGGGCTGAGTGTG-3'
Protein context (NP_006436.3, residues 2189-2209): SPQDVTTHAK[Ile2199Val]MADNPSWDGE